The following is an entry in ClinVar:

ClinVar aggregate classification (germline): Benign/Likely benign. Review status: criteria provided, multiple submitters, no conflicts (2 of 4 stars). 2 submissions from 2 submitters: Benign (1); Likely benign (1). Last evaluated 2021-05-10.

Conditions:
Ataxia, early-onset, with oculomotor apraxia and hypoalbuminemia (EAOH). Also called: Ataxia-oculomotor apraxia type 1; ATAXIA-OCULOMOTOR APRAXIA SYNDROME; ATAXIA-TELANGIECTASIA-LIKE SYNDROME. Identifiers: Orphanet 1168, MedGen C1859598, MONDO:0008842, OMIM 208920.

Allele frequency attached by ClinVar (database versions not stated): ExAC 0.00028; gnomAD exomes 0.00069 and 0.00107; gnomAD 0.00549 and 0.00567; TOPMed 0.00569; 1000 Genomes Project 0.00819; 1000 Genomes Project 30x 0.00906.
gnomAD v4.1: 1,051 of 454,146 alleles (0.23%); highest among the groups gnomAD compares: African/African-American, 1.9%; 9 homozygotes.

Submissions (2):

GeneDx
Classification: Likely benign. Last evaluated: 2021-05-10. Review status: criteria provided, single submitter. Criteria: GeneDx Variant Classification Process June 2021. Collection method: clinical testing. Allele origin: germline. Affected: yes.

Illumina Laboratory Services, Illumina
Classification: Benign for Ataxia, early-onset, with oculomotor apraxia and hypoalbuminemia. Last evaluated: 2018-01-13. Review status: criteria provided, single submitter. Criteria: ICSL Variant Classification Criteria 13 December 2019. Collection method: clinical testing. Allele origin: germline.
Comment: This variant was observed in the ICSL laboratory as part of a predisposition screen in an ostensibly healthy population. It had not been previously curated by ICSL or reported in the Human Gene Mutation Database (HGMD: prior to June 1st, 2018), and was therefore a candidate for classification through an automated scoring system. Utilizing variant allele frequency, disease prevalence and penetrance estimates, and inheritance mode, an automated score was calculated to assess if this variant is too frequent to cause the disease. Based on the score and internal cut-off values, a variant classified as benign is not then subjected to further curation. The score for this variant resulted in a classification of benign for this disease.

NM_001195248.2(APTX):c.*606G>A

Gene: APTX (aprataxin; minus strand). Cytogenetic location: 9p21.1.
Variant type: single nucleotide variant.
Coding change: c.*606G>A on transcript NM_001195248.2 (MANE Select); 606 bases downstream of the stop codon, G replaced by A.
Molecular consequence: 3 prime UTR variant. On other transcripts: non-coding transcript variant (13).
Genome position (GRCh38, 1-based): chr9:32,972,892, C>T on the plus strand (G>A on the coding strand, the complement: APTX is on the minus strand). VCF-style: chr9-32972892-C-T. GRCh37 (hg19) VCF-style: chr9-32972890-C-T.
Other names: c.*606G>A (NM_001195249.2, NM_001195250.2, NM_001195252.2 and 15 more transcripts); c.*792G>A (NM_001195251.2, NM_001368999.1, NM_001369006.1 and 1 more transcripts).
Identifiers: ClinVar variation 366584 (VCV000366584.7), dbSNP rs111430445, ClinGen allele CA5022189.